The following is an entry in ClinVar:

ClinVar aggregate classification (germline): Uncertain significance (1 of 4 stars; one submission).

Submission:

Labcorp Genetics (formerly Invitae), Labcorp
Classification: Uncertain significance. Last evaluated: 2022-09-13. Review status: criteria provided, single submitter. Criteria: Invitae Variant Classification Sherloc (09022015). Collection method: clinical testing. Allele origin: germline.
Comment: This sequence change replaces glutamic acid, which is acidic and polar, with glutamine, which is neutral and polar, at codon 526 of the ENPP1 protein (p.Glu526Gln). This variant is not present in population databases (gnomAD no frequency). This variant has not been reported in the literature in individuals affected with ENPP1-related conditions. Advanced modeling of protein sequence and biophysical properties (such as structural, functional, and spatial information, amino acid conservation, physicochemical variation, residue mobility, and thermodynamic stability) performed at Invitae indicates that this missense variant is not expected to disrupt ENPP1 protein function. In summary, the available evidence is currently insufficient to determine the role of this variant in disease. Therefore, it has been classified as a Variant of Uncertain Significance.

NM_006208.3(ENPP1):c.1576G>C (p.Glu526Gln)

Gene: ENPP1 (ectonucleotide pyrophosphatase/phosphodiesterase 1; plus strand). Cytogenetic location: 6q23.2.
Variant type: single nucleotide variant.
Coding change: c.1576G>C on transcript NM_006208.3 (MANE Select); coding-DNA position 1576, G replaced by C.
Protein change: p.Glu526Gln; replaces glutamic acid 526 with glutamine.
Molecular consequence: missense variant.
Genome position (GRCh38, 1-based): chr6:131,874,278, G>C. VCF-style: chr6-131874278-G-C. GRCh37 (hg19) VCF-style: chr6-132195418-G-C.
Other names: short protein forms E526Q.
Identifiers: ClinVar variation 1713713 (VCV001713713.5), dbSNP rs2483507034, ClinGen allele CA365677841.